The following is an entry in ClinVar:

NM_000094.4(COL7A1):c.4917A>C (p.Lys1639Asn)

Gene: COL7A1 (collagen type VII alpha 1 chain; minus strand). Cytogenetic location: 3p21.31.
Variant type: single nucleotide variant.
Coding change: c.4917A>C on transcript NM_000094.4 (MANE Select); coding-DNA position 4917, A replaced by C.
Protein change: p.Lys1639Asn; replaces lysine 1639 with asparagine.
Molecular consequence: missense variant.
Genome position (GRCh38, 1-based): chr3:48,581,140, T>G on the plus strand (A>C on the coding strand, the complement: COL7A1 is on the minus strand). VCF-style: chr3-48581140-T-G. GRCh37 (hg19) VCF-style: chr3-48618573-T-G.
Other names: short protein forms K1639N.
Identifiers: ClinVar variation 2179205 (VCV002179205.3), dbSNP rs1451206371, ClinGen allele CA352682412.

ClinVar aggregate classification (germline): Uncertain significance. Review status: criteria provided, multiple submitters, no conflicts (2 of 4 stars). 2 submissions from 2 submitters: Uncertain significance (2). Last evaluated 2025-01-19.

Allele frequency attached by ClinVar (database versions not stated): gnomAD exomes below 0.00001.

Submissions (2):

Women's Health and Genetics/Laboratory Corporation of America, LabCorp
Classification: Uncertain significance. Last evaluated: 2025-01-19. Review status: criteria provided, single submitter. Criteria: LabCorp Variant Classification Summary - May 2015. Collection method: clinical testing. Allele origin: germline.

Labcorp Genetics (formerly Invitae), Labcorp
Classification: Uncertain significance. Last evaluated: 2022-06-18. Review status: criteria provided, single submitter. Criteria: Invitae Variant Classification Sherloc (09022015). Collection method: clinical testing. Allele origin: germline.
Comment: This sequence change replaces lysine, which is basic and polar, with asparagine, which is neutral and polar, at codon 1639 of the COL7A1 protein (p.Lys1639Asn). This variant is present in population databases (no rsID available, gnomAD 0.003%). This variant has not been reported in the literature in individuals affected with COL7A1-related conditions. Algorithms developed to predict the effect of missense changes on protein structure and function are either unavailable or do not agree on the potential impact of this missense change (SIFT: "Deleterious"; PolyPhen-2: "Not Available"; Align-GVGD: "Class C0"). In summary, the available evidence is currently insufficient to determine the role of this variant in disease. Therefore, it has been classified as a Variant of Uncertain Significance.